The following is an entry in ClinVar:

ClinVar aggregate classification (germline): Pathogenic. Review status: reviewed by expert panel (3 of 4 stars). 3 submissions from 3 submitters: Pathogenic (1). 2 of the submissions do not count toward it. Last evaluated 2024-03-26.

Conditions:
Hereditary thrombocytopenia and hematologic cancer predisposition syndrome. Identifiers: Orphanet 71290, MedGen CN281654, MONDO:0011071.
Hereditary thrombocytopenia and hematological cancer predisposition syndrome associated with RUNX1. Also called: Familial Platelet Disorder with Propensity to Acute Myelogenous Leukemia; Familial thrombocytopenia with propensity to acute myelogenous leukemia; RUNX1 Familial Platelet Disorder with Associated Myeloid Malignancies; PLATELET DISORDER, ASPIRIN-LIKE. Identifiers: Orphanet 71290, MedGen C1832388, MeSH C563324, MONDO:0100083, OMIM 601399.

Submissions (3):

ClinGen Myeloid Malignancy Variant Curation Expert Panel
Classification: Pathogenic for Hereditary thrombocytopenia and hematologic cancer predisposition syndrome. Last evaluated: 2024-03-26. Review status: reviewed by expert panel. Criteria: ClinGen MyeloMalig ACMG Specifications v2. Collection method: curation. Allele origin: germline. Inheritance: Autosomal dominant inheritance.
Comment: The NM_001754.4:c.1412_1413dup (p.Leu472Alafs) variant is a frameshift variant that is not expected to result in nonsense-mediated mRNA decay, but the predicted truncated/altered region (removes aa 472-480, including the VWRPY motif) is critical to protein function (PVS1_Strong). This variant is completely absent from all population databases with at least 20x coverage for RUNX1 (PM2_supporting). This variant is a nonsense/frameshift variants that is downstream of c.98 (PM5_Supporting). This variant has been reported in one proband meeting at least one of the RUNX1-phenotypic criteria (PS4_ Supporting; PMID: 24353905). This variant was found to co-segregate with disease in multiple affected family members, with seven meioses observed in one family (PP1_Strong; PMID: 24353905). There is evidence of abnormal protein expression of this variant allele as a functional consequence of incorrect protein products (PS3_Moderate; PMID: 24353905). PS3_Moderate is applied because the variant meets PVS1_Strong. In summary, this variant meets criteria to be classified as pathogenic. ACMG/AMP criteria applied, as specified by the ClinGen Myeloid Malignancy Variant Curation Expert Panel for RUNX1: PVS1_strong, PP1_strong, PS3_moderate, PM2_supporting, PS4_supporting, PM5_supporting.

Labcorp Genetics (formerly Invitae), Labcorp
Classification: Uncertain significance for Hereditary thrombocytopenia and hematological cancer predisposition syndrome associated with RUNX1. Last evaluated: 2017-08-12. Review status: criteria provided, single submitter. Criteria: Invitae Variant Classification Sherloc (09022015). Collection method: clinical testing. Allele origin: germline. Not counted in ClinVar's aggregate classification.
Comment: Experimental studies have shown that this sequence change creates a stable RUNX1 protein that is visible by Western blot, however the functional consequences of this abnormal protein are unknown (PMID: 24353905). This sequence change inserts 2 nucleotides in exon 9 of the RUNX1 mRNA (c.1412_1413dupGC), causing a frameshift at codon 472. While this is not anticipated to result in nonsense mediated decay, it is expected to disrupt the last 9 amino acids and to extend the RUNX1 protein beyond the natural translational stop signal by 114 amino acids (p.Leu472Alafs*123). While this variant is not present in population databases, the frequency information is unreliable, as metrics indicate poor data quality at this position in the ExAC database. This variant has been reported to segregate with familial platelet disorder with associated myeloid malignancy in a single family (PMID: 24353905, 26492932). In summary, the available evidence is currently insufficient to determine the role of this variant in disease. Therefore, it has been classified as a Variant of Uncertain Significance. This variant disrupts the VWRPY motif (AAs 476-480) of the RUNX1 protein, which is required for binding to the transcriptional co-repressor Transducin-like enhancer of split (PMID: 9837750, 15749889). Although this motif is required for proper regulation of some RUNX1 target genes (PMID: 15749889, 14504086), deletion of this sequence does not significantly impact hematopoietic development or viability in mice (PMID: 14504086, 10594034). Therefore, the clinical significance of disrupting this domain is uncertain.

PreventionGenetics, part of Exact Sciences
Classification: Likely pathogenic. Last evaluated: 2014-01-03. Review status: criteria provided, single submitter. Criteria: ACMG Guidelines, 2015. Collection method: clinical testing. Allele origin: germline. Not counted in ClinVar's aggregate classification.

Literature cited by the submitters: PubMed 24353905 (cited by ClinGen Myeloid Malignancy Variant Curation Expert Panel and Labcorp Genetics (formerly Invitae), Labcorp); PubMed 26492932 (cited by Labcorp Genetics (formerly Invitae), Labcorp); PubMed 9837750 (cited by Labcorp Genetics (formerly Invitae), Labcorp); PubMed 15749889 (cited by Labcorp Genetics (formerly Invitae), Labcorp); PubMed 14504086 (cited by Labcorp Genetics (formerly Invitae), Labcorp); PubMed 10594034 (cited by Labcorp Genetics (formerly Invitae), Labcorp).

NM_001754.5(RUNX1):c.1412_1413dup (p.Leu472fs)

Gene: RUNX1 (RUNX family transcription factor 1; minus strand). Cytogenetic location: 21q22.12.
Variant type: Microsatellite.
Coding change: c.1412_1413dup on transcript NM_001754.5 (MANE Select); coding-DNA positions 1412 to 1413, 2 bases duplicated (GC; older notation c.1412_1413dupGC).
Protein change: p.Leu472fs; shifts the reading frame from leucine 472.
Molecular consequence: frameshift variant.
Genome position (GRCh38, 1-based): chr21:34,792,165-34,792,166, GC duplicated on the plus strand (GC on the coding strand, the reverse complement: RUNX1 is on the minus strand); duplicating any 2 consecutive bases within chr21:34,792,165-34,792,171 gives the same sequence; the c. name uses the placement nearest the transcript's 3' end. VCF-style (leftmost placement, unchanged base first): chr21-34792164-G-GGC. GRCh37 (hg19) VCF-style: chr21-36164461-G-GGC.
Other names: NM_001754.4(RUNX1):c.1412_1413dup; NM_001754.5(RUNX1):c.1412_1413dup; p.Leu472fs; c.1331_1332dup, p.Leu445fs (NM_001001890.3); c.1412_1413dupGC (NM_001754.4); short protein forms L472fs, L445fs.
Identifiers: ClinVar variation 532664 (VCV000532664.11), dbSNP rs1555884790, ClinGen allele CA658799413.
Genomic context (GRCh38, chr21:34,792,164, plus strand): 5'-CGCGGGGCCCAGCCGGGCCAGGCCTGGCGCCTCAGTAGGGCCTCCACACGGCCTCCTCCA[G>GGC]GCGCGCGGAGGGCGCCATGTTGGTGGGGGAGTTGCTGTGGCTGCCCTCGGCCTCCACCAC-3'